The following is an entry in ClinVar:

NM_000091.5(COL4A3):c.1201G>A (p.Gly401Arg)

Genes: COL4A3 (collagen type IV alpha 3 chain; plus strand), MFF-DT (MFF divergent transcript; minus strand). Cytogenetic location: 2q36.3.
Variant type: single nucleotide variant.
Coding change: c.1201G>A on transcript NM_000091.5 (MANE Select); coding-DNA position 1201, G replaced by A.
Protein change: p.Gly401Arg; replaces glycine 401 with arginine.
Molecular consequence: missense variant.
Genome position (GRCh38, 1-based): chr2:227,263,830, G>A. VCF-style: chr2-227263830-G-A. GRCh37 (hg19) VCF-style: chr2-228128546-G-A.
Other names: c.1201G>A (NM_000091.4); short protein forms G401R.
Identifiers: ClinVar variation 562416 (VCV000562416.11), dbSNP rs1559878824, ClinGen allele CA350868774.

ClinVar aggregate classification (germline): Conflicting classifications of pathogenicity. Review status: criteria provided, conflicting classifications (1 of 4 stars). 6 submissions from 6 submitters: Likely pathogenic (4); Uncertain significance (1). 1 of the submissions does not count toward it. Last evaluated 2026-07-27.

Conditions:
Alport syndrome 3b, autosomal recessive. Identifiers: MedGen C5882699, MONDO:0957811, OMIM 620536.
Hematuria, benign familial, 2 (BFH2). Identifiers: MedGen C5830421, MONDO:0958186, OMIM 620320.
Autosomal dominant Alport syndrome (ATS3A). Also called: ALPORT SYNDROME 3A, AUTOSOMAL DOMINANT; Alport syndrome dominant type; Renal failure and sensorineural hearing loss. Identifiers: Orphanet 63, Orphanet 88918, MedGen C5882663, MONDO:0007086, OMIM 104200.
Alport syndrome. Also called: Hemorrhagic familial nephritis; Hemorrhagic hereditary nephritis; Congenital hereditary hematuria. Identifiers: Orphanet 63, MedGen C1567741, MONDO:0018965.
Hematuria. Identifiers: MedGen C0018965, HP:0000790.

Allele frequency attached by ClinVar (database versions not stated): gnomAD exomes below 0.00001.
gnomAD v4.1: 1 of 1,614,138 alleles (0.000062%); no homozygotes.

Submissions (6):

Genetics Laboratory, Great Ormond Street Hospital NHS Foundation Trust, North Thames Genomic Laboratory Hub
Classification: Likely pathogenic for Haematuria. Last evaluated: 2026-07-27. Review status: criteria provided, single submitter. Criteria: ACGS Best Practice Guidelines for Variant Classification in Rare Disease 2024 v1.2. Collection method: clinical testing. Allele origin: germline. Affected: yes.
Comment: PM2_moderate, PP3_supporting, PM1_strong, PP4_supporting

Natera, Inc.
Classification: Likely pathogenic for Alport syndrome. Last evaluated: 2025-09-10. Review status: criteria provided, single submitter. Criteria: Natera Variant Classification Schema (03/2026). Collection method: clinical testing. Allele origin: germline.
Comment: The c.1201G>A variant in COL4A3 is a missense variant predicted to cause substitution of glycine to arginine at amino acid 401. This variant is rare in the general population with a frequency below the threshold expected for the associated phenotype(s). This variant has been observed in affected individual(s) with monoallelic occurrence (heterozygous/hemizygous) (PMID: 30586318, 37849993). This variant is located in a functionally critical region of the protein. Computational prediction algorithms indicate this variant is likely to affect gene or protein function. Given the available evidence, this variant is classified as Likely Pathogenic.

Fulgent Genetics
Classification: Likely pathogenic for Autosomal dominant Alport syndrome; Hematuria, benign familial, 2; Alport syndrome 3b, autosomal recessive. Last evaluated: 2024-06-24. Review status: criteria provided, single submitter. Criteria: ACMG Guidelines, 2015. Collection method: clinical testing. Allele origin: germline.

Labcorp Genetics (formerly Invitae), Labcorp
Classification: Uncertain significance. Last evaluated: 2021-09-01. Review status: criteria provided, single submitter. Criteria: Invitae Variant Classification Sherloc (09022015). Collection method: clinical testing. Allele origin: germline.
Comment: This sequence change replaces glycine with arginine at codon 401 of the COL4A3 protein (p.Gly401Arg). The glycine residue is highly conserved and there is a moderate physicochemical difference between glycine and arginine. This variant is not present in population databases (ExAC no frequency). This missense change has been observed in individual(s) with clinical features of Alport syndrome (Invitae). ClinVar contains an entry for this variant (Variation ID: 562416). Advanced modeling of protein sequence and biophysical properties (such as structural, functional, and spatial information, amino acid conservation, physicochemical variation, residue mobility, and thermodynamic stability) performed at Invitae indicates that this missense variant is expected to disrupt COL4A3 protein function. In summary, the available evidence is currently insufficient to determine the role of this variant in disease. Therefore, it has been classified as a Variant of Uncertain Significance.

Athena Diagnostics
Classification: Likely pathogenic. Last evaluated: 2018-05-04. Review status: criteria provided, single submitter. Criteria: Athena Diagnostics Criteria. Collection method: clinical testing. Allele origin: germline.

Gharavi Laboratory, Columbia University
Classification: Likely pathogenic. Last evaluated: 2018-09-16. Review status: no assertion criteria provided. Criteria: ACMG Guidelines, 2015. Collection method: research. Allele origin: germline. Affected: yes. Not counted in ClinVar's aggregate classification.

Literature cited by the submitters: PubMed 30586318 (cited by Natera, Inc.); PubMed 37849993 (cited by Natera, Inc.).